The following is an entry in ClinVar:

NM_001349253.2(SCN11A):c.5114C>A (p.Ala1705Glu)

Gene: SCN11A (sodium voltage-gated channel alpha subunit 11; minus strand). Cytogenetic location: 3p22.2.
Variant type: single nucleotide variant.
Coding change: c.5114C>A on transcript NM_001349253.2 (MANE Select); coding-DNA position 5114, C replaced by A.
Protein change: p.Ala1705Glu; replaces alanine 1705 with glutamic acid.
Molecular consequence: missense variant.
Genome position (GRCh38, 1-based): chr3:38,846,956, G>T on the plus strand (C>A on the coding strand, the complement: SCN11A is on the minus strand). VCF-style: chr3-38846956-G-T. GRCh37 (hg19) VCF-style: chr3-38888447-G-T.
Other names: c.5114C>A, p.Ala1705Glu (NM_014139.3); short protein forms A1705E.
Identifiers: ClinVar variation 1373139 (VCV001373139.8), dbSNP rs1409670951, ClinGen allele CA352161138.

ClinVar aggregate classification (germline): Uncertain significance (1 of 4 stars; one submission).

Conditions:
Hereditary sensory and autonomic neuropathy type 7. Also called: HSAN VII; Neuropathy, hereditary sensory and autonomic, type VII. Identifiers: Orphanet 391397, MedGen C3809882, MONDO:0014244, OMIM 615548.
Familial episodic pain syndrome with predominantly lower limb involvement. Also called: Episodic pain syndrome, familial, 3. Identifiers: Orphanet 391384, Orphanet 391392, MedGen C3809899, MONDO:0014247, OMIM 615552.

Allele frequency attached by ClinVar (database versions not stated): gnomAD exomes below 0.00001 and 0.00001; TOPMed below 0.00001.
gnomAD v4.1: 2 of 1,614,094 alleles (0.00012%); highest among the groups gnomAD compares: Admixed American, 0.0033%; no homozygotes.

Submission:

Labcorp Genetics (formerly Invitae), Labcorp
Classification: Uncertain significance for Familial episodic pain syndrome with predominantly lower limb involvement; Hereditary sensory and autonomic neuropathy type 7. Last evaluated: 2022-06-20. Review status: criteria provided, single submitter. Criteria: Invitae Variant Classification Sherloc (09022015). Collection method: clinical testing. Allele origin: germline.
Comment: In summary, the available evidence is currently insufficient to determine the role of this variant in disease. Therefore, it has been classified as a Variant of Uncertain Significance. Algorithms developed to predict the effect of missense changes on protein structure and function are either unavailable or do not agree on the potential impact of this missense change (SIFT: "Deleterious"; PolyPhen-2: "Benign"; Align-GVGD: "Class C0"). This variant has not been reported in the literature in individuals affected with SCN11A-related conditions. This variant is present in population databases (no rsID available, gnomAD 0.006%). This sequence change replaces alanine, which is neutral and non-polar, with glutamic acid, which is acidic and polar, at codon 1705 of the SCN11A protein (p.Ala1705Glu).